The following is an entry in ClinVar:

NM_001122769.3(LCA5):c.-398G>C

Gene: LCA5 (lebercilin LCA5; minus strand). Cytogenetic location: 6q14.1.
Variant type: single nucleotide variant.
Coding change: c.-398G>C on transcript NM_001122769.3 (MANE Select); 398 bases upstream of the start codon, G replaced by C.
Molecular consequence: 5 prime UTR variant.
Genome position (GRCh38, 1-based): chr6:79,537,371, C>G on the plus strand (G>C on the coding strand, the complement: LCA5 is on the minus strand). VCF-style: chr6-79537371-C-G. GRCh37 (hg19) VCF-style: chr6-80247088-C-G.
Other names: c.-553G>C (NM_181714.4).
Identifiers: ClinVar variation 358116 (VCV000358116.34), dbSNP rs370115829, ClinGen allele CA10622755.
Genomic context (GRCh38, chr6:79,537,371, plus strand): 5'-CGAGGTTGCCGAGATGCGGGAGGTTTGAACACAAGGATGGGACAGAGGCGAGGATCGGGG[C>G]TCCTGGGTGGCAGCGGCGGTAACCTGGGCTCCAGGGTAACGGAGGCGGAGGCCTAGACTG-3'

ClinVar aggregate classification (germline): Conflicting classifications of pathogenicity. Review status: criteria provided, conflicting classifications (1 of 4 stars). 2 submissions from 2 submitters: Uncertain significance (1); Benign (1). Last evaluated 2022-11-01.

Conditions:
Leber congenital amaurosis 5 (LCA5). Also called: Amaurosis congenita of Leber, type 5. Identifiers: Orphanet 65, MedGen C1858301, MONDO:0011473, OMIM 604537.

Allele frequency attached by ClinVar (database versions not stated): 1000 Genomes Project 30x 0.00203; 1000 Genomes Project 0.00220; TOPMed 0.00621; gnomAD exomes 0.01522.
gnomAD v4.1: 1,188 of 152,814 alleles (0.78%); highest among the groups gnomAD compares: Non-Finnish European, 1.1%; 10 homozygotes.

Submissions (2):

CeGaT Center for Human Genetics Tuebingen
Classification: Benign. Last evaluated: 2022-11-01. Review status: criteria provided, single submitter. Criteria: CeGaT Center For Human Genetics Tuebingen Variant Classification Criteria Version 2. Collection method: clinical testing. Allele origin: germline. Affected: yes. Observed: 1 variant allele.
Comment: LCA5: BS1, BS2

Illumina Laboratory Services, Illumina
Classification: Uncertain significance for Leber congenital amaurosis 5. Last evaluated: 2018-01-12. Review status: criteria provided, single submitter. Criteria: ICSL Variant Classification Criteria 13 December 2019. Collection method: clinical testing. Allele origin: germline.